The following is an entry in ClinVar:

NM_031935.3(HMCN1):c.11573C>T (p.Ser3858Leu)

Gene: HMCN1 (hemicentin 1; plus strand). Cytogenetic location: 1q31.1.
Variant type: single nucleotide variant.
Coding change: c.11573C>T on transcript NM_031935.3 (MANE Select); coding-DNA position 11573, C replaced by T.
Protein change: p.Ser3858Leu; replaces serine 3858 with leucine.
Molecular consequence: missense variant.
Genome position (GRCh38, 1-based): chr1:186,117,005, C>T. VCF-style: chr1-186117005-C-T. GRCh37 (hg19) VCF-style: chr1-186086137-C-T.
Other names: short protein forms S3858L.
Identifiers: ClinVar variation 4727351 (VCV004727351.1).

ClinVar aggregate classification (germline): Uncertain significance (1 of 4 stars; one submission).

Submission:

Labcorp Genetics (formerly Invitae), Labcorp
Classification: Uncertain significance. Last evaluated: 2025-09-22. Review status: criteria provided, single submitter. Criteria: Invitae Variant Classification Sherloc (09022015). Collection method: clinical testing. Allele origin: germline.
Comment: This sequence change replaces serine, which is neutral and polar, with leucine, which is neutral and non-polar, at codon 3858 of the HMCN1 protein (p.Ser3858Leu). This variant is not present in population databases (gnomAD no frequency). This variant has not been reported in the literature in individuals affected with HMCN1-related conditions. An algorithm developed to predict the effect of missense changes on protein structure and function (PolyPhen-2) suggests that this variant is likely to be disruptive. In summary, the available evidence is currently insufficient to determine the role of this variant in disease. Therefore, it has been classified as a Variant of Uncertain Significance.